The following is an entry in ClinVar:

NM_004655.4(AXIN2):c.1115C>G (p.Ala372Gly)

Gene: AXIN2 (axin 2; minus strand). Cytogenetic location: 17q24.1.
Variant type: single nucleotide variant.
Coding change: c.1115C>G on transcript NM_004655.4 (MANE Select); coding-DNA position 1115, C replaced by G.
Protein change: p.Ala372Gly; replaces alanine 372 with glycine.
Molecular consequence: missense variant.
Genome position (GRCh38, 1-based): chr17:65,538,288, G>C on the plus strand (C>G on the coding strand, the complement: AXIN2 is on the minus strand). VCF-style: chr17-65538288-G-C. GRCh37 (hg19) VCF-style: chr17-63534406-G-C.
Other names: c.1115C>G, p.Ala372Gly (NM_001363813.1); short protein forms A372G.
Identifiers: ClinVar variation 2451664 (VCV002451664.6), dbSNP rs2544182527, ClinGen allele CA400678422.

ClinVar aggregate classification (germline): Uncertain significance. Review status: criteria provided, multiple submitters, no conflicts (2 of 4 stars). 2 submissions from 2 submitters: Uncertain significance (2). Last evaluated 2025-04-15.

Conditions:
Hereditary cancer-predisposing syndrome. Also called: Neoplastic Syndromes, Hereditary; Tumor predisposition; Hereditary neoplastic syndrome; Hereditary Cancer Syndrome. Identifiers: Orphanet 140162, MedGen C0027672, MeSH D009386, MONDO:0015356.
Oligodontia-cancer predisposition syndrome. Also called: TOOTH AGENESIS-COLORECTAL CANCER SYNDROME. Identifiers: Orphanet 300576, MedGen C1837750, MONDO:0012075, OMIM 608615. Disease mechanism: loss of function.

Submissions (2):

Ambry Genetics
Classification: Uncertain significance for Hereditary cancer-predisposing syndrome. Last evaluated: 2025-04-15. Review status: criteria provided, single submitter. Criteria: Ambry Variant Classification Scheme 2023. Collection method: clinical testing. Allele origin: germline.
Comment: The p.A372G variant (also known as c.1115C>G), located in coding exon 4 of the AXIN2 gene, results from a C to G substitution at nucleotide position 1115. The alanine at codon 372 is replaced by glycine, an amino acid with similar properties. This amino acid position is highly conserved in available vertebrate species. In addition, the in silico prediction for this alteration is inconclusive. Since supporting evidence is limited at this time, the clinical significance of this alteration remains unclear.

Labcorp Genetics (formerly Invitae), Labcorp
Classification: Uncertain significance for Oligodontia-cancer predisposition syndrome. Last evaluated: 2023-07-07. Review status: criteria provided, single submitter. Criteria: Invitae Variant Classification Sherloc (09022015). Collection method: clinical testing. Allele origin: germline.
Comment: In summary, the available evidence is currently insufficient to determine the role of this variant in disease. Therefore, it has been classified as a Variant of Uncertain Significance. RNA analysis performed to evaluate the impact of this missense change on mRNA splicing indicates it does not significantly alter splicing (Invitae). Advanced modeling of protein sequence and biophysical properties (such as structural, functional, and spatial information, amino acid conservation, physicochemical variation, residue mobility, and thermodynamic stability) performed at Invitae indicates that this missense variant is not expected to disrupt AXIN2 protein function. ClinVar contains an entry for this variant (Variation ID: 2451664). This variant has not been reported in the literature in individuals affected with AXIN2-related conditions. This variant is not present in population databases (gnomAD no frequency). This sequence change replaces alanine, which is neutral and non-polar, with glycine, which is neutral and non-polar, at codon 372 of the AXIN2 protein (p.Ala372Gly).